The following is an entry in ClinVar:

ClinVar aggregate classification (germline): Uncertain significance (1 of 4 stars; one submission).

Submission:

GeneDx
Classification: Uncertain significance. Last evaluated: 2022-11-10. Review status: criteria provided, single submitter. Criteria: GeneDx Variant Classification Process June 2021. Collection method: clinical testing. Allele origin: germline. Affected: yes.
Comment: Not observed at significant frequency in large population cohorts (gnomAD); Frameshift variant predicted to result in protein truncation or nonsense mediated decay in a gene or region of a gene for which loss of function is not a well-established mechanism of disease; Has not been previously published as pathogenic or benign to our knowledge

NM_002971.6(SATB1):c.680del (p.Asn227fs)

Gene: SATB1 (SATB homeobox 1; minus strand). Cytogenetic location: 3p24.3.
Variant type: Deletion.
Coding change: c.680del on transcript NM_002971.6 (MANE Select); coding-DNA position 680, one base deleted (A; older notation c.680delA).
Protein change: p.Asn227fs; shifts the reading frame from asparagine 227.
Molecular consequence: frameshift variant.
Genome position (GRCh38, 1-based): chr3:18,397,250, T deleted on the plus strand (A on the coding strand, the reverse complement: SATB1 is on the minus strand); the first of 3 consecutive T bases (chr3:18,397,250-18,397,252); deleting any one gives the same sequence. VCF-style (leftmost placement, unchanged base first): chr3-18397249-AT-A. GRCh37 (hg19) VCF-style: chr3-18438741-AT-A.
Other names: c.680del, p.Asn227fs (NM_001131010.4, NM_001195470.3, NM_001322871.2 and 4 more transcripts); c.464del, p.Asn155fs (NM_001322876.2); short protein forms N155fs, N227fs.
Identifiers: ClinVar variation 2502031 (VCV002502031.1), dbSNP rs2470676187, ClinGen allele CA2580614152.